The following is an entry in ClinVar:

ClinVar aggregate classification (germline): Uncertain significance (1 of 4 stars; one submission).

gnomAD v4.1: 10 of 1,613,834 alleles (0.00062%); highest among the groups gnomAD compares: Non-Finnish European, 0.00085%; no homozygotes.

Submission:

Labcorp Genetics (formerly Invitae), Labcorp
Classification: Uncertain significance. Last evaluated: 2023-05-08. Review status: criteria provided, single submitter. Criteria: Invitae Variant Classification Sherloc (09022015). Collection method: clinical testing. Allele origin: germline.
Comment: This sequence change replaces leucine, which is neutral and non-polar, with valine, which is neutral and non-polar, at codon 1210 of the ABCC6 protein (p.Leu1210Val). This variant is present in population databases (rs762213485, gnomAD 0.0009%). This variant has not been reported in the literature in individuals affected with ABCC6-related conditions. ClinVar contains an entry for this variant (Variation ID: 1947969). Advanced modeling of protein sequence and biophysical properties (such as structural, functional, and spatial information, amino acid conservation, physicochemical variation, residue mobility, and thermodynamic stability) has been performed at Invitae for this missense variant, however the output from this modeling did not meet the statistical confidence thresholds required to predict the impact of this variant on ABCC6 protein function. In summary, the available evidence is currently insufficient to determine the role of this variant in disease. Therefore, it has been classified as a Variant of Uncertain Significance.

NM_001171.6(ABCC6):c.3628C>G (p.Leu1210Val)

Gene: ABCC6 (ATP binding cassette subfamily C member 6; minus strand). Cytogenetic location: 16p13.11.
Variant type: single nucleotide variant.
Coding change: c.3628C>G on transcript NM_001171.6 (MANE Select); coding-DNA position 3628, C replaced by G.
Protein change: p.Leu1210Val; replaces leucine 1210 with valine.
Molecular consequence: missense variant. On other transcripts: non-coding transcript variant (1).
Genome position (GRCh38, 1-based): chr16:16,161,443, G>C on the plus strand (C>G on the coding strand, the complement: ABCC6 is on the minus strand). VCF-style: chr16-16161443-G-C. GRCh37 (hg19) VCF-style: chr16-16255300-G-C.
Other names: c.3286C>G, p.Leu1096Val (NM_001351800.1); short protein forms L1096V, L1210V.
Identifiers: ClinVar variation 1947969 (VCV001947969.5), dbSNP rs762213485, ClinGen allele CA7925512.